The following is an entry in ClinVar:

ClinVar aggregate classification (germline): Likely pathogenic (1 of 4 stars; one submission).

Conditions:
Hereditary nonpolyposis colorectal neoplasms. Identifiers: MedGen C0009405, MeSH D003123.

Submission:

Labcorp Genetics (formerly Invitae), Labcorp
Classification: Likely pathogenic for Hereditary nonpolyposis colorectal neoplasms. Last evaluated: 2022-03-08. Review status: criteria provided, single submitter. Criteria: Invitae Variant Classification Sherloc (09022015). Collection method: clinical testing. Allele origin: germline.
Comment: This variant results in the deletion of part of exon 5 (c.3431_3438+107del) of the MSH6 gene. It is expected to disrupt RNA splicing. Variants that disrupt the donor or acceptor splice site typically lead to a loss of protein function (PMID: 16199547), and loss-of-function variants in MSH6 are known to be pathogenic (PMID: 18269114, 24362816). This variant is not present in population databases (gnomAD no frequency). This variant has not been reported in the literature in individuals affected with MSH6-related conditions. Algorithms developed to predict the effect of sequence changes on RNA splicing suggest that this variant may disrupt the consensus splice site. In summary, the currently available evidence indicates that the variant is pathogenic, but additional data are needed to prove that conclusively. Therefore, this variant has been classified as Likely Pathogenic.

Literature cited by the submitters: PubMed 16199547; PubMed 18269114; PubMed 24362816.

NM_000179.3(MSH6):c.3431_3438+107del

Gene: MSH6 (mutS homolog 6; plus strand). Cytogenetic location: 2p16.3.
Variant type: Deletion.
Coding change: c.3431_3438+107del on transcript NM_000179.3 (MANE Select); coding-DNA position 3431 through 107 bases into the intron after coding-DNA position 3438, 115 bases deleted.
Molecular consequence: splice donor variant.
Genome position (GRCh38, 1-based): chr2:47,803,678-47,803,792, 115 bases deleted. GRCh37 (hg19): chr2:48,030,817-48,030,931.
Other names: c.2525_2532+107del (NM_001281493.2, NM_001281494.2); c.3041_3048+107del (NM_001281492.2).
Identifiers: ClinVar variation 2107726 (VCV002107726.4), dbSNP rs2530777063, ClinGen allele CA2580067112.